The following is an entry in ClinVar:

NM_001142800.2(EYS):c.5750A>G (p.Tyr1917Cys)

Gene: EYS (EGF-like photoreceptor maintenance factor; minus strand). Cytogenetic location: 6q12.
Variant type: single nucleotide variant.
Coding change: c.5750A>G on transcript NM_001142800.2 (MANE Select); coding-DNA position 5750, A replaced by G.
Protein change: p.Tyr1917Cys; replaces tyrosine 1917 with cysteine.
Molecular consequence: missense variant.
Genome position (GRCh38, 1-based): chr6:64,439,247, T>C on the plus strand (A>G on the coding strand, the complement: EYS is on the minus strand). VCF-style: chr6-64439247-T-C. GRCh37 (hg19) VCF-style: chr6-65149140-T-C.
Other names: c.5750A>G, p.Tyr1917Cys (NM_001292009.2); c.5750A>G (NM_001142800.1); short protein forms Y1917C.
Identifiers: ClinVar variation 1922915 (VCV001922915.4), dbSNP rs1366798271, ClinGen allele CA364392687.
Genomic context (GRCh38, chr6:64,439,247, plus strand): 5'-AATTGAATAAAAAATCCATCTACTAAATTTGAGTCTTGCTTGACATACAGCAGAAGTCCA[T>C]AGGAGCTGAAGGTCTGAAATTCTAGGGAGATGTTATTTTGTGGATTTAAAGCCACATTCT-3'
Protein context (NP_001136272.1, residues 1907-1927): ISLEFQTFSS[Tyr1917Cys]GLLLYVKQDS

ClinVar aggregate classification (germline): Uncertain significance. Review status: criteria provided, multiple submitters, no conflicts (2 of 4 stars). 3 submissions from 3 submitters: Uncertain significance (3). Last evaluated 2024-11-25.

Conditions:
Inborn genetic diseases. Identifiers: MedGen C0950123, MeSH D030342.

Allele frequency attached by ClinVar (database versions not stated): gnomAD exomes below 0.00001; TOPMed 0.00002; gnomAD 0.00003.
gnomAD v4.1: 9 of 1,514,114 alleles (0.00059%); highest among the groups gnomAD compares: African/African-American, 0.0014%; no homozygotes.

Submissions (3):

Ambry Genetics
Classification: Uncertain significance for Inborn genetic diseases. Last evaluated: 2024-11-25. Review status: criteria provided, single submitter. Criteria: Ambry Variant Classification Scheme 2023. Collection method: clinical testing. Allele origin: germline.

Labcorp Genetics (formerly Invitae), Labcorp
Classification: Uncertain significance. Last evaluated: 2022-08-22. Review status: criteria provided, single submitter. Criteria: Invitae Variant Classification Sherloc (09022015). Collection method: clinical testing. Allele origin: germline.
Comment: This sequence change replaces tyrosine, which is neutral and polar, with cysteine, which is neutral and slightly polar, at codon 1917 of the EYS protein (p.Tyr1917Cys). This variant is present in population databases (no rsID available, gnomAD 0.002%). This variant has not been reported in the literature in individuals affected with EYS-related conditions. Algorithms developed to predict the effect of missense changes on protein structure and function (SIFT, PolyPhen-2, Align-GVGD) all suggest that this variant is likely to be tolerated. In summary, the available evidence is currently insufficient to determine the role of this variant in disease. Therefore, it has been classified as a Variant of Uncertain Significance.

Blueprint Genetics
Classification: Uncertain significance. Last evaluated: 2022-07-29. Review status: criteria provided, single submitter. Criteria: ACMG Guidelines, 2015. Collection method: clinical testing. Allele origin: germline.